The following is an entry in ClinVar:

NM_001267550.2(TTN):c.43207G>C (p.Val14403Leu)

Gene: TTN (titin; minus strand). Cytogenetic location: 2q31.2.
Variant type: single nucleotide variant.
Coding change: c.43207G>C on transcript NM_001267550.2 (MANE Select); coding-DNA position 43207, G replaced by C.
Protein change: p.Val14403Leu; replaces valine 14403 with leucine.
Molecular consequence: missense variant.
Genome position (GRCh38, 1-based): chr2:178,632,924, C>G on the plus strand (G>C on the coding strand, the complement: TTN is on the minus strand). VCF-style: chr2-178632924-C-G. GRCh37 (hg19) VCF-style: chr2-179497651-C-G.
Other names: c.38284G>C, p.Val12762Leu (NM_001256850.1); c.16012G>C, p.Val5338Leu (NM_003319.4); c.35503G>C, p.Val11835Leu (NM_133378.4); c.16387G>C, p.Val5463Leu (NM_133432.3); c.16588G>C, p.Val5530Leu (NM_133437.4); short protein forms V11835L, V12762L, V14403L, V5338L, V5463L, V5530L.
Identifiers: ClinVar variation 2651643 (VCV002651643.24), dbSNP rs2471484945, ClinGen allele CA349651857.
Genomic context (GRCh38, chr2:178,632,924, plus strand): 5'-ATCAGGAAGTCTTGCAGAGAAAATACAAAAACGTGGCTGACAAGTAGAGCATACCTTTCA[C>G]TTTCAGATTGGCTGCAGATTTGGCATTAGCAGCCTGGAAGGAAACCTCTCCTGTCATACC-3'
Protein context (NP_001254479.2, residues 14393-14413): ANAKSAANLK[Val14403Leu]KELPLIFITP

ClinVar aggregate classification (germline): Uncertain significance (1 of 4 stars; one submission).

Allele frequency attached by ClinVar (database versions not stated): gnomAD exomes below 0.00001.
gnomAD v4.1: 2 of 1,612,788 alleles (0.00012%); highest among the groups gnomAD compares: Middle Eastern, 0.017%; no homozygotes.

Submission:

CeGaT Center for Human Genetics Tuebingen
Classification: Uncertain significance. Last evaluated: 2025-08-01. Review status: criteria provided, single submitter. Criteria: CeGaT Center For Human Genetics Tuebingen Variant Classification Criteria Version 2. Collection method: clinical testing. Allele origin: germline. Affected: yes. Observed: 2 variant alleles.
Comment: TTN: PM2